The following is an entry in ClinVar:

NM_004369.4(COL6A3):c.3053A>G (p.Asn1018Ser)

Gene: COL6A3 (collagen type VI alpha 3 chain; minus strand). Cytogenetic location: 2q37.3.
Variant type: single nucleotide variant.
Coding change: c.3053A>G on transcript NM_004369.4 (MANE Select); coding-DNA position 3053, A replaced by G.
Protein change: p.Asn1018Ser; replaces asparagine 1018 with serine.
Molecular consequence: missense variant.
Genome position (GRCh38, 1-based): chr2:237,376,789, T>C on the plus strand (A>G on the coding strand, the complement: COL6A3 is on the minus strand). VCF-style: chr2-237376789-T-C. GRCh37 (hg19) VCF-style: chr2-238285432-T-C.
Other names: c.1832A>G, p.Asn611Ser (NM_057164.5); c.2435A>G, p.Asn812Ser (NM_057165.5, NM_057167.4); c.1232A>G, p.Asn411Ser (NM_057166.5); short protein forms N1018S, N611S, N812S, N411S.
Identifiers: ClinVar variation 1395423 (VCV001395423.6), dbSNP rs375167315, ClinGen allele CA2189267.

ClinVar aggregate classification (germline): Uncertain significance (1 of 4 stars; one submission).

Conditions:
Bethlem myopathy 1A. Also called: Bethlem myopathy 1; Bethlem Muscular Dystrophy; MYOPATHY, BENIGN CONGENITAL, WITH CONTRACTURES. Identifiers: Orphanet 610, MedGen CN029274, MONDO:0024530, OMIM 158810.

Allele frequency attached by ClinVar (database versions not stated): ExAC 0.00002; gnomAD exomes 0.00002; ESP Exome Variant Server 0.00008; gnomAD 0.00001; TOPMed 0.00001.

Submission:

Labcorp Genetics (formerly Invitae), Labcorp
Classification: Uncertain significance for Bethlem myopathy 1A. Last evaluated: 2021-10-03. Review status: criteria provided, single submitter. Criteria: Invitae Variant Classification Sherloc (09022015). Collection method: clinical testing. Allele origin: germline.
Comment: In summary, the available evidence is currently insufficient to determine the role of this variant in disease. Therefore, it has been classified as a Variant of Uncertain Significance. Advanced modeling of protein sequence and biophysical properties (such as structural, functional, and spatial information, amino acid conservation, physicochemical variation, residue mobility, and thermodynamic stability) performed at Invitae indicates that this missense variant is not expected to disrupt COL6A3 protein function. This variant has not been reported in the literature in individuals affected with COL6A3-related conditions. This variant is present in population databases (rs375167315, ExAC 0.004%). This sequence change replaces asparagine with serine at codon 1018 of the COL6A3 protein (p.Asn1018Ser). The asparagine residue is weakly conserved and there is a small physicochemical difference between asparagine and serine.